The following is an entry in ClinVar:

NM_152564.5(VPS13B):c.9388G>A (p.Ala3130Thr)

Gene: VPS13B (vacuolar protein sorting 13 homolog B; plus strand). Cytogenetic location: 8q22.2.
Variant type: single nucleotide variant.
Coding change: c.9388G>A on transcript NM_152564.5 (MANE Select); coding-DNA position 9388, G replaced by A.
Protein change: p.Ala3130Thr; replaces alanine 3130 with threonine.
Molecular consequence: missense variant.
Genome position (GRCh38, 1-based): chr8:99,832,426, G>A. VCF-style: chr8-99832426-G-A. GRCh37 (hg19) VCF-style: chr8-100844654-G-A.
Other names: c.9463G>A, p.Ala3155Thr (NM_017890.5); short protein forms A3130T, A3155T.
Identifiers: ClinVar variation 1513353 (VCV001513353.5), dbSNP rs2130858010, ClinGen allele CA371781267.

ClinVar aggregate classification (germline): Uncertain significance (1 of 4 stars; one submission).

Conditions:
Cohen syndrome (COH1). Also called: PEPPER SYNDROME; Cutis verticis gyrata, retinitis pigmentosa, and sensorineural deafness. Identifiers: Orphanet 193, MedGen C0265223, MONDO:0008999, OMIM 216550.

Allele frequency attached by ClinVar (database versions not stated): gnomAD exomes below 0.00001.
gnomAD v4.1: 4 of 1,577,606 alleles (0.00025%); highest among the groups gnomAD compares: Middle Eastern, 0.018%; no homozygotes.

Submission:

Labcorp Genetics (formerly Invitae), Labcorp
Classification: Uncertain significance for Cohen syndrome. Last evaluated: 2022-08-15. Review status: criteria provided, single submitter. Criteria: Invitae Variant Classification Sherloc (09022015). Collection method: clinical testing. Allele origin: germline.
Comment: This sequence change replaces alanine, which is neutral and non-polar, with threonine, which is neutral and polar, at codon 3155 of the VPS13B protein (p.Ala3155Thr). This variant is not present in population databases (gnomAD no frequency). This variant has not been reported in the literature in individuals affected with VPS13B-related conditions. ClinVar contains an entry for this variant (Variation ID: 1513353). Algorithms developed to predict the effect of missense changes on protein structure and function output the following: SIFT: "Not Available"; PolyPhen-2: "Possibly Damaging"; Align-GVGD: "Not Available". The threonine amino acid residue is found in multiple mammalian species, which suggests that this missense change does not adversely affect protein function. In summary, the available evidence is currently insufficient to determine the role of this variant in disease. Therefore, it has been classified as a Variant of Uncertain Significance.